The following is an entry in ClinVar:

ClinVar aggregate classification (germline): Uncertain significance (1 of 4 stars; one submission).

Conditions:
Hereditary cancer-predisposing syndrome. Also called: Hereditary Cancer Syndrome; Hereditary neoplastic syndrome; Tumor predisposition; Neoplastic Syndromes, Hereditary. Identifiers: Orphanet 140162, MedGen C0027672, MeSH D009386, MONDO:0015356.

Submission:

Ambry Genetics
Classification: Uncertain significance for Hereditary cancer-predisposing syndrome. Last evaluated: 2022-03-29. Review status: criteria provided, single submitter. Criteria: Ambry Variant Classification Scheme 2023. Collection method: clinical testing. Allele origin: germline.
Comment: The p.D817N variant (also known as c.2449G>A), located in coding exon 4 of the MSH6 gene, results from a G to A substitution at nucleotide position 2449. The aspartic acid at codon 817 is replaced by asparagine, an amino acid with highly similar properties. This amino acid position is highly conserved in available vertebrate species. In addition, the in silico prediction for this alteration is inconclusive. Since supporting evidence is limited at this time, the clinical significance of this alteration remains unclear.

NM_000179.3(MSH6):c.2449G>A (p.Asp817Asn)

Gene: MSH6 (mutS homolog 6; plus strand). Cytogenetic location: 2p16.3.
Variant type: single nucleotide variant.
Coding change: c.2449G>A on transcript NM_000179.3 (MANE Select); coding-DNA position 2449, G replaced by A.
Protein change: p.Asp817Asn; replaces aspartic acid 817 with asparagine.
Molecular consequence: missense variant.
Genome position (GRCh38, 1-based): chr2:47,800,432, G>A. VCF-style: chr2-47800432-G-A. GRCh37 (hg19) VCF-style: chr2-48027571-G-A.
Other names: c.2059G>A, p.Asp687Asn (NM_001281492.2); c.1543G>A, p.Asp515Asn (NM_001281493.2, NM_001281494.2, NM_001406811.1 and 6 more transcripts); c.2545G>A, p.Asp849Asn (NM_001406795.1, NM_001406802.1); c.2449G>A, p.Asp817Asn (NM_001406796.1, NM_001406798.1, NM_001406800.1 and 2 more transcripts); c.2152G>A, p.Asp718Asn (NM_001406797.1, NM_001406801.1, NM_001406805.1 and 10 more transcripts); c.1924G>A, p.Asp642Asn (NM_001406799.1, NM_001406806.1, NM_001406807.1); c.2371G>A, p.Asp791Asn (NM_001406804.1); c.2455G>A, p.Asp819Asn (NM_001406813.1); and 1 more; short protein forms D515N, D819N, D642N, D718N, D761N, D791N, D849N, D687N.
Identifiers: ClinVar variation 1791443 (VCV001791443.2), dbSNP rs1553413805, ClinGen allele CA346754064.
Genomic context (GRCh38, chr2:47,800,432, plus strand): 5'-GACCTCATGGTTGTGCCTGACAAAATCTCCGAAGTTGTAGAGCTTCTAAAGAAGCTTCCA[G>A]ATCTTGAGAGGCTACTCAGTAAAATTCATAATGTTGGGTCTCCCCTGAAGAGTCAGAACC-3'
Protein context (NP_000170.1, residues 807-827): EVVELLKKLP[Asp817Asn]LERLLSKIHN